The following is an entry in ClinVar:

NM_001199563.2(BVES):c.602C>G (p.Ser201Cys)

Gene: BVES (blood vessel epicardial substance; minus strand). Cytogenetic location: 6q21.
Variant type: single nucleotide variant.
Coding change: c.602C>G on transcript NM_001199563.2 (MANE Select); coding-DNA position 602, C replaced by G.
Protein change: p.Ser201Cys; replaces serine 201 with cysteine.
Molecular consequence: missense variant.
Genome position (GRCh38, 1-based): chr6:105,124,593, G>C on the plus strand (C>G on the coding strand, the complement: BVES is on the minus strand). VCF-style: chr6-105124593-G-C. GRCh37 (hg19) VCF-style: chr6-105572468-G-C.
Other names: p.Ser201Cys; c.602C>G, p.Ser201Cys (NM_007073.4, NM_147147.4); short protein forms S201C.
Identifiers: ClinVar variation 1686644 (VCV001686644.4), dbSNP rs869025337, ClinGen allele CA365317659.

ClinVar aggregate classification (germline): Likely pathogenic (1 of 4 stars; one submission).

Allele frequency attached by ClinVar (database versions not stated): gnomAD exomes below 0.00001.
gnomAD v4.1: 2 of 1,612,872 alleles (0.00012%); highest among the groups gnomAD compares: East Asian, 0.0045%; no homozygotes.

Submission:

Mayo Clinic Laboratories, Mayo Clinic
Classification: Likely pathogenic. Last evaluated: 2021-07-08. Review status: criteria provided, single submitter. Criteria: ACMG Guidelines, 2015. Collection method: clinical testing. Allele origin: germline.
Comment: PM1, PM2, PM5, PP3